The following is an entry in ClinVar:

ClinVar aggregate classification (germline): Conflicting classifications of pathogenicity. Review status: criteria provided, conflicting classifications (1 of 4 stars). 8 submissions from 8 submitters: Uncertain significance (5); Benign (1); Likely benign (2). Last evaluated 2026-06-16.

Conditions:
Polyps, multiple and recurrent inflammatory fibroid, gastrointestinal. Identifiers: MedGen C5193005, MONDO:0008285, OMIM 175510.
Hereditary cancer-predisposing syndrome. Also called: Neoplastic Syndromes, Hereditary; Hereditary Cancer Syndrome; Tumor predisposition; Hereditary neoplastic syndrome. Identifiers: Orphanet 140162, MedGen C0027672, MeSH D009386, MONDO:0015356.
Gastrointestinal stromal tumor. Also called: Gastrointestinal stroma tumor; Gastrointestinal stromal tumor, somatic. Identifiers: Orphanet 44890, MedGen C0238198, MeSH D046152, MONDO:0011719, OMIM 606764, HP:0100723.

Allele frequency attached by ClinVar (database versions not stated): gnomAD 0.00005; TOPMed 0.00006.
gnomAD v4.1: 95 of 1,613,826 alleles (0.0059%); highest among the groups gnomAD compares: Non-Finnish European, 0.0077%; no homozygotes.

Submissions (8):

Myriad Genetics, Inc.
Classification: Likely benign for Polyps, multiple and recurrent inflammatory fibroid, gastrointestinal. Last evaluated: 2026-06-16. Review status: criteria provided, single submitter. Criteria: Myriad Autosomal Dominant, Autosomal Recessive and X-Linked Classification Criteria (2023). Collection method: clinical testing. Allele origin: unknown.
Comment: This variant is considered likely benign. This variant has been observed at a population frequency that is significantly greater than expected given the associated disease prevalence and penetrance.

Labcorp Genetics (formerly Invitae), Labcorp
Classification: Uncertain significance for Gastrointestinal stromal tumor. Last evaluated: 2026-01-26. Review status: criteria provided, single submitter. Criteria: Invitae Variant Classification Sherloc (09022015). Collection method: clinical testing. Allele origin: germline.
Comment: This sequence change replaces isoleucine, which is neutral and non-polar, with asparagine, which is neutral and polar, at codon 1060 of the PDGFRA protein (p.Ile1060Asn). This variant is present in population databases (rs774522904, gnomAD 0.01%). This variant has not been reported in the literature in individuals affected with PDGFRA-related conditions. ClinVar contains an entry for this variant (Variation ID: 240344). Invitae Evidence Modeling of protein sequence and biophysical properties (such as structural, functional, and spatial information, amino acid conservation, physicochemical variation, residue mobility, and thermodynamic stability) indicates that this missense variant is not expected to disrupt PDGFRA protein function with a negative predictive value of 80%. In summary, the available evidence is currently insufficient to determine the role of this variant in disease. Therefore, it has been classified as a Variant of Uncertain Significance.

St. Jude Molecular Pathology, St. Jude Children's Research Hospital
Classification: Uncertain significance for Polyps, multiple and recurrent inflammatory fibroid, gastrointestinal. Last evaluated: 2025-06-17. Review status: criteria provided, single submitter. Criteria: St. Jude Assertion Criteria 2020. Collection method: clinical testing. Allele origin: germline.
Comment: The PDGFRA c.3179T>A p.(Ile1060Asn) missense change has a maximum subpopulation frequency of 0.0093% in gnomAD v2.1.1. The in silico tool REVEL predicts a benign effect on protein function, but to our knowledge this prediction has not been confirmed by functional studies. To our knowledge, this variant has not been reported in individuals with PDGFRA-associated tumors. In summary, the evidence currently available is insufficient to determine the clinical significance of this variant. It has therefore been classified as of uncertain significance.

Blueprint Genetics
Classification: Likely benign. Last evaluated: 2024-11-22. Review status: criteria provided, single submitter. Criteria: ACMG Guidelines, 2015. Collection method: clinical testing. Allele origin: germline.

Ambry Genetics
Classification: Benign for Hereditary cancer-predisposing syndrome. Last evaluated: 2024-10-28. Review status: criteria provided, single submitter. Criteria: Ambry Variant Classification Scheme 2023. Collection method: clinical testing. Allele origin: germline.

GeneDx
Classification: Uncertain significance. Last evaluated: 2024-03-17. Review status: criteria provided, single submitter. Criteria: GeneDx Variant Classification Process June 2021. Collection method: clinical testing. Allele origin: germline. Affected: yes.
Comment: In silico analysis supports that this missense variant does not alter protein structure/function; Has not been previously published as pathogenic or benign to our knowledge

Baylor Genetics
Classification: Uncertain significance for Polyps, multiple and recurrent inflammatory fibroid, gastrointestinal. Last evaluated: 2023-10-31. Review status: criteria provided, single submitter. Criteria: ACMG Guidelines, 2015. Collection method: clinical testing. Allele origin: unknown.

Breakthrough Genomics
Classification: Uncertain significance. Review status: criteria provided, single submitter. Criteria: ACMG Guidelines, 2015. Collection method: not provided. Allele origin: germline. Inheritance: Autosomal dominant inheritance. Affected: yes.

NM_006206.6(PDGFRA):c.3179T>A (p.Ile1060Asn)

Gene: PDGFRA (platelet derived growth factor receptor alpha; plus strand). Cytogenetic location: 4q12.
Variant type: single nucleotide variant.
Coding change: c.3179T>A on transcript NM_006206.6 (MANE Select); coding-DNA position 3179, T replaced by A.
Protein change: p.Ile1060Asn; replaces isoleucine 1060 with asparagine.
Molecular consequence: missense variant.
Genome position (GRCh38, 1-based): chr4:54,295,181, T>A. VCF-style: chr4-54295181-T-A. GRCh37 (hg19) VCF-style: chr4-55161348-T-A.
Other names: c.3254T>A, p.Ile1085Asn (NM_001347828.2); c.3179T>A, p.Ile1060Asn (NM_001347829.2); c.3218T>A, p.Ile1073Asn (NM_001347830.2); short protein forms I1060N, I1073N, I1085N.
Identifiers: ClinVar variation 240344 (VCV000240344.26), dbSNP rs774522904, ClinGen allele CA2923052.
Genomic context (GRCh38, chr4:54,295,181, plus strand): 5'-CCAGCTCGCAGACCTCTGAAGAGAGTGCCATTGAGACGGGTTCCAGCAGTTCCACCTTCA[T>A]CAAGAGAGAGGACGAGACCATTGAAGACATCGACATGATGGATGACATCGGCATAGACTC-3'
Protein context (NP_006197.1, residues 1050-1070): IETGSSSSTF[Ile1060Asn]KREDETIEDI